The following is an entry in ClinVar:

ClinVar aggregate classification (germline): Pathogenic (1 of 4 stars; one submission).

Conditions:
Familial multiple polyposis syndrome (FAP). Also called: Familial Adenomatous Polyposis (FAP); Classic familial adenomatous polyposis; Familial adenomatous polyposis; Familial intestinal polyposis; Familial polyposis. Identifiers: Orphanet 733, MedGen C0032580, MONDO:0021055. Disease mechanism: loss of function.

Submission:

Women's Health and Genetics/Laboratory Corporation of America, LabCorp
Classification: Pathogenic for Familial multiple polyposis syndrome. Last evaluated: 2025-01-16. Review status: criteria provided, single submitter. Criteria: LabCorp Variant Classification Summary - May 2015. Collection method: clinical testing. Allele origin: germline.
Comment: Variant summary: The variant involves the deletion of exons 7-16 in the APC gene. A presumed nomenclature of c.(645+1_646-1)_(*2114_?)del has been designated for the purposes of this classification. The exact breakpoint at the distal 3' end of this variant is unknown, therefore this deletion may extend downstream of the annotated region of the gene. As it encompasses the termination codon, it is predicted to escape nonsense mediated decay (NMD). The variant was absent in 123566 control chromosomes in the gnomAD database (Structural Variants v4.1 dataset). A variant, described as deletion of coding exons 6-15, which corresponds to deletion of exons 7-16, was reported in the literature in a family with multiple individuals affected with Familial Adenomatous Polyposis (Nielsen_2007). These data indicate that the variant is very likely to be associated with disease. To our knowledge, no experimental evidence demonstrating an impact on protein function has been reported. However, multiple missense variants are classified as Pathogenic in the deleted exons (ClinVar), indicating the clinical importance of the affected region. The following publication have been ascertained in the context of this evaluation (PMID: 17568392). ClinVar contains an entry for this variant (Variation ID: 2422173). Based on the evidence outlined above, the variant was classified as pathogenic.

Literature cited by the submitters: PubMed 17568392.

NC_000005.9:g.(112116601_112128142)_(112181937_?)del

Gene: APC (APC regulator of Wnt signaling pathway; plus strand). Cytogenetic location: 5q22.2.
Variant type: Deletion.
Identifiers: ClinVar variation 3769557 (VCV003769557.2).